The following is an entry in ClinVar:

NM_000077.5(CDKN2A):c.238C>T (p.Arg80Ter)

Gene: CDKN2A (cyclin dependent kinase inhibitor 2A; minus strand). Cytogenetic location: 9p21.3.
Variant type: single nucleotide variant.
Coding change: c.238C>T on transcript NM_000077.5; coding-DNA position 238, C replaced by T.
Protein change: p.Arg80Ter; replaces arginine 80 with a stop codon.
Molecular consequence: nonsense (on NM_000077.6). On other transcripts: missense variant (1), 3 prime UTR variant (1).
Genome position (GRCh38, 1-based): chr9:21,971,121, G>A on the plus strand (C>T on the coding strand, the complement: CDKN2A is on the minus strand). VCF-style: chr9-21971121-G-A. GRCh37 (hg19) VCF-style: chr9-21971120-G-A.
Other names: R232*; c.238C>T, p.Arg80Ter (NM_000077.6, NM_001195132.2); c.85C>T, p.Arg29Ter (NM_001363763.2); c.281C>T, p.Pro94Leu (NM_058195.4); c.*161C>T (NM_058197.5); short protein forms P94L, R80*, R29*.
Identifiers: ClinVar variation 9409 (VCV000009409.20), dbSNP rs121913388, ClinGen allele CA120380.
Genomic context (GRCh38, chr9:21,971,121, plus strand): 5'-CCCGGTGCAGCACCACCAGCGTGTCCAGGAAGCCCTCCCGGGCAGCGTCGTGCACGGGTC[G>A]GGTGAGAGTGGCGGGGTCGGCGCAGTTGGGCTCCGCGCCGTGGAGCAGCAGCAGCTCCGC-3'

ClinVar aggregate classification (germline): Pathogenic/Likely pathogenic. Review status: criteria provided, multiple submitters, no conflicts (2 of 4 stars). 8 submissions from 8 submitters: Pathogenic (5); Likely pathogenic (1). 2 of the submissions do not count toward it. Last evaluated 2023-07-19.
ClinVar aggregate classification (oncogenicity): Oncogenic (1 of 4 stars; one submission).

Conditions:
Familial melanoma. Also called: Hereditary melanoma; Hereditary cutaneous melanoma. Identifiers: Orphanet 618, MedGen C1512419, MONDO:0018961.
Hereditary cancer-predisposing syndrome. Also called: Neoplastic Syndromes, Hereditary; Tumor predisposition; Hereditary neoplastic syndrome; Hereditary Cancer Syndrome. Identifiers: Orphanet 140162, MedGen C0027672, MeSH D009386, MONDO:0015356.
Melanoma, cutaneous malignant, susceptibility to, 2 (CMM2). Also called: Cutaneous malignant melanoma 2; CDKN2A-Related Cutaneous Malignant Melanoma. Identifiers: Orphanet 618, MedGen C1835044, MONDO:0007964, OMIM 155601.
Lip and oral cavity carcinoma. Identifiers: MedGen C0220641, MONDO:0023644.
Neoplasm. Also called: Neoplasms; Neoplasm (disease); tumor. Identifiers: MedGen C0027651, MeSH D009369, MONDO:0005070, HP:0002664.

gnomAD v4.1: 1 of 1,603,816 alleles (0.000062%); highest among the groups gnomAD compares: Non-Finnish European, 0.000085%; no homozygotes.

Submissions (9):

Center for Genomic Medicine, Rigshospitalet, Copenhagen University Hospital
Classification: Oncogenic for Neoplasm. Last evaluated: 2026-10-16. Review status: criteria provided, single submitter. Criteria: ClinGen/CGC/VICC Guidelines for Oncogenicity, 2022. Collection method: clinical testing. Allele origin: somatic. Affected: yes.

Labcorp Genetics (formerly Invitae), Labcorp
Classification: Pathogenic for Familial melanoma. Last evaluated: 2023-07-19. Review status: criteria provided, single submitter. Criteria: Invitae Variant Classification Sherloc (09022015). Collection method: clinical testing. Allele origin: germline.
Comment: This sequence change creates a premature translational stop signal (p.Arg80*) in the CDKN2A (p16INK4a) gene. It is expected to result in an absent or disrupted protein product. Loss-of-function variants in CDKN2A (p16INK4a) are known to be pathogenic (PMID: 15146471, 16905682). For these reasons, this variant has been classified as Pathogenic. While the evidence indicates that this variant confers risk of developing CDKN2A (p16INK4a)-associated conditions, its association with risk for developing CDKN2A (p14ARF)-associated conditions is still unclear. ClinVar contains an entry for this variant (Variation ID: 9409). This variant is also known as c.281C>T p.Pro94Leu in the CDKN2A (p14ARF) transcript. This premature translational stop signal has been observed in individual(s) with melanoma (PMID: 31382929). This variant is not present in population databases (gnomAD no frequency). The CDKN2A gene encodes two different proteins, p16INK4a and p14ARF, which are translated from alternative transcripts with different open reading frames. Both transcripts have been analyzed. We report either the variant with the higher classification or default to the CDKN2A (p16INK4a) variant. This report therefore includes the details for the CDKN2A (p16INK4a) variant.

Women's Health and Genetics/Laboratory Corporation of America, LabCorp
Classification: Pathogenic for Familial melanoma. Last evaluated: 2023-02-23. Review status: criteria provided, single submitter. Criteria: LabCorp Variant Classification Summary - May 2015. Collection method: clinical testing. Allele origin: germline.
Comment: Variant summary: CDKN2A c.238C>T (p.Arg80X) results in a premature termination codon, predicted to cause a truncation of the encoded protein or absence of the protein due to nonsense mediated decay, which are commonly known mechanisms for disease. At least one truncation downstream of this position has been classified as pathogenic by our laboratory. The variant was absent in 229380 control chromosomes (gnomAD). c.238C>T has been reported in the literature in individuals affected with Multiple Primary Melanomas (Puig_2015, Casula_2019). At least one publication reports experimental evidence evaluating an impact on protein function and this variant results in loss of binding to Cdk4 and Cdk6 (Parry_1996). Five clinical diagnostic laboratories have submitted clinical-significance assessments for this variant to ClinVar after 2014 without evidence for independent evaluation. All laboratories classified the variant as pathogenic (n=4) and likely pathogenic (n=1). Based on the evidence outlined above, the variant was classified as pathogenic.

GeneDx
Classification: Pathogenic. Last evaluated: 2021-11-12. Review status: criteria provided, single submitter. Criteria: GeneDx Variant Classification Process June 2021. Collection method: clinical testing. Allele origin: germline. Affected: yes.
Comment: Nonsense variant predicted to result in protein truncation or nonsense mediated decay in a gene for which loss-of-function is a known mechanism of disease; Not observed at significant frequency in large population cohorts (Lek 2016); This variant is associated with the following publications: (PMID: 8668202, 11687599, 8153634, 29152076, 10854221, 15195137, 18205010, 27415609, 29917141, 23939042, 31775759, 30039340, 9529249, 9653180, 16173922, 31382929)

AiLife Diagnostics
Classification: Likely pathogenic. Last evaluated: 2021-10-26. Review status: criteria provided, single submitter. Criteria: ACMG Guidelines, 2015. Collection method: clinical testing. Allele origin: germline. Affected: yes. Observed: 1 variant allele.

Ambry Genetics
Classification: Pathogenic for Hereditary cancer-predisposing syndrome. Last evaluated: 2020-07-08. Review status: criteria provided, single submitter. Criteria: Ambry Variant Classification Scheme 2023. Collection method: clinical testing. Allele origin: germline.
Comment: The p.R80* pathogenic mutation (also known as c.238C>T), located in coding exon 2 of the CDKN2A gene, results from a C to T substitution at nucleotide position 238. This changes the amino acid from an arginine to a stop codon within coding exon 2. This alteration is expected to result in loss of function by premature protein truncation or nonsense-mediated mRNA decay. As such, this alteration is interpreted as a disease-causing mutation.

Color Diagnostics, LLC DBA Color Health
Classification: Pathogenic for Hereditary cancer-predisposing syndrome. Last evaluated: 2020-01-15. Review status: criteria provided, single submitter. Criteria: ACMG Guidelines, 2015. Collection method: clinical testing. Allele origin: germline.
Comment: This variant changes 1 nucleotide in exon 2 of the CDKN2A gene, creating a premature translation stop signal. This variant is expected to result in an absent or non-functional protein product. This variant has not been identified in the general population by the Genome Aggregation Database (gnomAD). Loss of CDKN2A function is a known mechanism of disease. Based on the available evidence, this variant is classified as Pathogenic.

Institute of Medical Sciences, Banaras Hindu University
Classification: Pathogenic for Lip and oral cavity carcinoma. Last evaluated: 2019-04-30. Review status: no assertion criteria provided. Collection method: research. Allele origin: somatic. Affected: yes. Observed: 6 variant alleles. Not counted in ClinVar's aggregate classification.

OMIM
Classification: risk factor for MELANOMA, CUTANEOUS MALIGNANT, SUSCEPTIBILITY TO, 2. Last evaluated: 1994-04-15. Review status: no assertion criteria provided. Collection method: literature only. Allele origin: germline. Not counted in ClinVar's aggregate classification.

Literature cited by the submitters: PubMed 8668202 (cited by 4 submitters); PubMed 15146471 (cited by Labcorp Genetics (formerly Invitae), Labcorp); PubMed 16905682 (cited by Labcorp Genetics (formerly Invitae), Labcorp); PubMed 31382929 (cited by 3 submitters); PubMed 27756164 (cited by Women's Health and Genetics/Laboratory Corporation of America, LabCorp); PubMed 27960642 (cited by Women's Health and Genetics/Laboratory Corporation of America, LabCorp); PubMed 28765326 (cited by Women's Health and Genetics/Laboratory Corporation of America, LabCorp); PubMed 9166859 (cited by Women's Health and Genetics/Laboratory Corporation of America, LabCorp); PubMed 16818274 (cited by Women's Health and Genetics/Laboratory Corporation of America, LabCorp); PubMed 18519632 (cited by Women's Health and Genetics/Laboratory Corporation of America, LabCorp); PubMed 7718873 (cited by Women's Health and Genetics/Laboratory Corporation of America, LabCorp); PubMed 26681309 (cited by Women's Health and Genetics/Laboratory Corporation of America, LabCorp); PubMed 11687599 (cited by AiLife Diagnostics); PubMed 18205010 (cited by Ambry Genetics); PubMed 29915805 (cited by Ambry Genetics); PubMed 31775759 (cited by Institute of Medical Sciences, Banaras Hindu University); PubMed 8153634 (cited by OMIM).